The following is an entry in ClinVar:

NM_001365951.3(KIF1B):c.20A>T (p.Lys7Met)

Genes: KIF1B (kinesin family member 1B; plus strand), LOC129388446 (MPRA-validated peak64 silencer; plus strand). Cytogenetic location: 1p36.22.
Variant type: single nucleotide variant.
Coding change: c.20A>T on transcript NM_001365951.3 (MANE Select); coding-DNA position 20, A replaced by T.
Protein change: p.Lys7Met; replaces lysine 7 with methionine.
Molecular consequence: missense variant.
Genome position (GRCh38, 1-based): chr1:10,232,348, A>T. VCF-style: chr1-10232348-A-T. GRCh37 (hg19) VCF-style: chr1-10292406-A-T.
Other names: c.20A>T, p.Lys7Met (NM_001365952.1, NM_001365953.1, NM_015074.3 and 1 more transcripts); short protein forms K7M.
Identifiers: ClinVar variation 1284432 (VCV001284432.8), dbSNP rs758134092, ClinGen allele CA580592.

ClinVar aggregate classification (germline): Uncertain significance. Review status: criteria provided, single submitter (1 of 4 stars). 4 submissions from 4 submitters: Uncertain significance (1). 3 of the submissions do not count toward it. Last evaluated 2024-10-23.

Allele frequency attached by ClinVar (database versions not stated): TOPMed below 0.00001; ExAC 0.00001; gnomAD exomes 0.00001; gnomAD 0.00002.
gnomAD v4.1: 16 of 1,613,600 alleles (0.00099%); highest among the groups gnomAD compares: Non-Finnish European, 0.0013%; no homozygotes.

Submissions (4):

Ambry Genetics
Classification: Uncertain significance. Last evaluated: 2024-10-23. Review status: criteria provided, single submitter. Criteria: Ambry Variant Classification Scheme 2023. Collection method: clinical testing. Allele origin: germline.
Comment: The p.K7M variant (also known as c.20A>T), located in coding exon 1 of the KIF1B gene, results from an A to T substitution at nucleotide position 20. The lysine at codon 7 is replaced by methionine, an amino acid with similar properties. This amino acid position is highly conserved in available vertebrate species. In addition, this alteration is predicted to be deleterious by in silico analysis. The evidence for this gene-disease relationship is limited; therefore, the clinical significance of this alteration is unclear.

Clinical Genetics DNA and cytogenetics Diagnostics Lab, Erasmus MC, Erasmus Medical Center
Classification: Uncertain significance. Review status: no assertion criteria provided. Collection method: clinical testing. Allele origin: germline. Affected: yes. Study: VKGL Data-share Consensus. Not counted in ClinVar's aggregate classification.

Clinical Genetics, Academic Medical Center
Classification: Uncertain significance. Review status: no assertion criteria provided. Collection method: clinical testing. Allele origin: germline. Affected: yes. Study: VKGL Data-share Consensus. Not counted in ClinVar's aggregate classification.

Joint Genome Diagnostic Labs from Nijmegen and Maastricht, Radboudumc and MUMC+
Classification: Uncertain significance. Review status: no assertion criteria provided. Collection method: clinical testing. Allele origin: germline. Affected: yes. Study: VKGL Data-share Consensus. Not counted in ClinVar's aggregate classification.